The following is an entry in ClinVar:

ClinVar aggregate classification (germline): Likely benign. Review status: reviewed by expert panel (3 of 4 stars). 3 submissions from 3 submitters: Likely benign (1). 2 of the submissions do not count toward it. Last evaluated 2017-06-29.

Conditions:
Breast-ovarian cancer, familial, susceptibility to, 2 (BROVCA2). Also called: BRCA2 Hereditary Breast and Ovarian Cancer. Identifiers: Orphanet 145, MedGen C2675520, MONDO:0012933, OMIM 612555. Disease mechanism: loss of function.
Hereditary cancer-predisposing syndrome. Also called: Neoplastic Syndromes, Hereditary; Tumor predisposition; Hereditary Cancer Syndrome; Hereditary neoplastic syndrome. Identifiers: Orphanet 140162, MedGen C0027672, MeSH D009386, MONDO:0015356.

Submissions (3):

Evidence-based Network for the Interpretation of Germline Mutant Alleles (ENIGMA)
Classification: Likely benign for Breast-ovarian cancer, familial, susceptibility to, 2. Last evaluated: 2017-06-29. Review status: reviewed by expert panel. Criteria: ENIGMA BRCA1/2 Classification Criteria (2017-06-29). Collection method: curation. Allele origin: germline.
Comment: Synonymous substitution variant, with low bioinformatic likelihood to result in a splicing aberration (Splicing prior probability 0.02).

Ambry Genetics
Classification: Likely benign for Hereditary cancer-predisposing syndrome. Last evaluated: 2020-04-18. Review status: criteria provided, single submitter. Criteria: Ambry Variant Classification Scheme 2023. Collection method: clinical testing. Allele origin: germline. Not counted in ClinVar's aggregate classification.

Breast Cancer Information Core (BIC) (BRCA2)
Classification: Uncertain significance for Breast-ovarian cancer, familial 2. Last evaluated: 1998-11-30. Review status: no assertion criteria provided. Collection method: clinical testing. Allele origin: germline. Affected: yes. Observed: 1 variant allele. Not counted in ClinVar's aggregate classification.

NM_000059.4(BRCA2):c.4089C>T (p.Asn1363=)

Gene: BRCA2 (BRCA2 DNA repair associated; plus strand). Cytogenetic location: 13q13.1.
Variant type: single nucleotide variant.
Coding change: c.4089C>T on transcript NM_000059.4 (MANE Select); coding-DNA position 4089, C replaced by T.
Protein change: p.Asn1363=; no amino-acid change (asparagine 1363 retained).
Molecular consequence: synonymous variant.
Genome position (GRCh38, 1-based): chr13:32,338,444, C>T. VCF-style: chr13-32338444-C-T. GRCh37 (hg19) VCF-style: chr13-32912581-C-T.
Other names: 4317C/T.
Identifiers: ClinVar variation 51591 (VCV000051591.5), dbSNP rs80359787, ClinGen allele CA019492.